The following is an entry in ClinVar:

ClinVar aggregate classification (germline): Pathogenic (1 of 4 stars; one submission).

Conditions:
ALG6-congenital disorder of glycosylation 1C (CDG1C). Also called: CARBOHYDRATE-DEFICIENT GLYCOPROTEIN SYNDROME, TYPE I, WITH DEFICIENT GLYCOSYLATION OF DOLICHOL-LINKED OLIGOSACCHARIDE; CARBOHYDRATE-DEFICIENT GLYCOPROTEIN SYNDROME, TYPE V; Congenital disorder of glycosylation type 1C; CDG Ic; Congenital disorder of glycosylation, type Ic. Identifiers: Orphanet 79320, MedGen C2930997, MONDO:0011291, OMIM 603147.

Allele frequency attached by ClinVar (database versions not stated): gnomAD exomes below 0.00001; ExAC 0.00001.
gnomAD v4.1: 2 of 1,614,072 alleles (0.00012%); highest among the groups gnomAD compares: East Asian, 0.0022%; no homozygotes.

Submission:

Labcorp Genetics (formerly Invitae), Labcorp
Classification: Pathogenic for ALG6-congenital disorder of glycosylation 1C. Last evaluated: 2021-07-01. Review status: criteria provided, single submitter. Criteria: Invitae Variant Classification Sherloc (09022015). Collection method: clinical testing. Allele origin: germline.
Comment: This sequence change creates a premature translational stop signal (p.Gln41*) in the ALG6 gene. It is expected to result in an absent or disrupted protein product. Loss-of-function variants in ALG6 are known to be pathogenic (PMID: 19862844). This variant is present in population databases (rs759308812, ExAC 0.001%). This variant has not been reported in the literature in individuals affected with ALG6-related conditions. For these reasons, this variant has been classified as Pathogenic.

Literature cited by the submitters: PubMed 19862844.

NM_013339.4(ALG6):c.121C>T (p.Gln41Ter)

Gene: ALG6 (ALG6 alpha-1,3-glucosyltransferase; plus strand). Cytogenetic location: 1p31.3.
Variant type: single nucleotide variant.
Coding change: c.121C>T on transcript NM_013339.4 (MANE Select); coding-DNA position 121, C replaced by T.
Protein change: p.Gln41Ter; replaces glutamine 41 with a stop codon.
Molecular consequence: nonsense.
Genome position (GRCh38, 1-based): chr1:63,396,551, C>T. VCF-style: chr1-63396551-C-T. GRCh37 (hg19) VCF-style: chr1-63862222-C-T.
Other names: short protein forms Q41*.
Identifiers: ClinVar variation 1457885 (VCV001457885.7), dbSNP rs759308812, ClinGen allele CA888067.